The following is an entry in ClinVar:

ClinVar aggregate classification (germline): Uncertain significance (1 of 4 stars; one submission).

Conditions:
TH-deficient dopa-responsive dystonia. Also called: Tyrosine Hydroxylase-Deficient Dopa-Responsive Dystonia; Segawa syndrome, autosomal recessive; DYT-TH. Identifiers: Orphanet 101150, MedGen C2673535, MONDO:0011551, OMIM 605407.

Allele frequency attached by ClinVar (database versions not stated): gnomAD 0.00002; TOPMed 0.00003.

Submission:

Labcorp Genetics (formerly Invitae), Labcorp
Classification: Uncertain significance for TH-deficient dopa-responsive dystonia. Last evaluated: 2022-08-31. Review status: criteria provided, single submitter. Criteria: Invitae Variant Classification Sherloc (09022015). Collection method: clinical testing. Allele origin: germline.
Comment: This sequence change replaces arginine, which is basic and polar, with glutamine, which is neutral and polar, at codon 147 of the TH protein (p.Arg147Gln). The frequency data for this variant in the population databases is considered unreliable, as metrics indicate poor data quality at this position in the gnomAD database. This variant has not been reported in the literature in individuals affected with TH-related conditions. Advanced modeling of protein sequence and biophysical properties (such as structural, functional, and spatial information, amino acid conservation, physicochemical variation, residue mobility, and thermodynamic stability) performed at Invitae indicates that this missense variant is expected to disrupt TH protein function. In summary, the available evidence is currently insufficient to determine the role of this variant in disease. Therefore, it has been classified as a Variant of Uncertain Significance.

NM_000360.4(TH):c.347G>A (p.Arg116Gln)

Gene: TH (tyrosine hydroxylase; minus strand). Cytogenetic location: 11p15.5.
Variant type: single nucleotide variant.
Coding change: c.347G>A on transcript NM_000360.4 (MANE Select); coding-DNA position 347, G replaced by A.
Protein change: p.Arg116Gln; replaces arginine 116 with glutamine.
Molecular consequence: missense variant.
Genome position (GRCh38, 1-based): chr11:2,168,631, C>T on the plus strand (G>A on the coding strand, the complement: TH is on the minus strand). VCF-style: chr11-2168631-C-T. GRCh37 (hg19) VCF-style: chr11-2189861-C-T.
Other names: c.440G>A, p.Arg147Gln (NM_199292.3); c.428G>A, p.Arg143Gln (NM_199293.3); short protein forms R116Q, R147Q, R143Q.
Identifiers: ClinVar variation 2074956 (VCV002074956.1), dbSNP rs202204171, ClinGen allele CA5818700.